The following is an entry in ClinVar:

NM_004364.5(CEBPA):c.1021A>G (p.Ile341Val)

Gene: CEBPA (CCAAT enhancer binding protein alpha; minus strand). Cytogenetic location: 19q13.11.
Variant type: single nucleotide variant.
Coding change: c.1021A>G on transcript NM_004364.5 (MANE Select); coding-DNA position 1021, A replaced by G.
Protein change: p.Ile341Val; replaces isoleucine 341 with valine.
Molecular consequence: missense variant.
Genome position (GRCh38, 1-based): chr19:33,301,394, T>C on the plus strand (A>G on the coding strand, the complement: CEBPA is on the minus strand). VCF-style: chr19-33301394-T-C. GRCh37 (hg19) VCF-style: chr19-33792300-T-C.
Other names: c.1021A>G (NM_004364.3); c.664A>G, p.Ile222Val (NM_001285829.2); c.1126A>G, p.Ile376Val (NM_001287424.2); c.979A>G, p.Ile327Val (NM_001287435.2); short protein forms I341V, I222V, I327V, I376V.
Identifiers: ClinVar variation 239918 (VCV000239918.19), dbSNP rs372931505, ClinGen allele CA9363660.

ClinVar aggregate classification (germline): Conflicting classifications of pathogenicity. Review status: criteria provided, conflicting classifications (1 of 4 stars). 5 submissions from 5 submitters: Uncertain significance (4); Benign (1). Last evaluated 2025-10-13.

Conditions:
Inborn genetic diseases. Identifiers: MedGen C0950123, MeSH D030342.
Hereditary cancer-predisposing syndrome. Also called: Tumor predisposition; Hereditary Cancer Syndrome; Neoplastic Syndromes, Hereditary; Hereditary neoplastic syndrome. Identifiers: Orphanet 140162, MedGen C0027672, MeSH D009386, MONDO:0015356.
Acute myeloid leukemia (AML). Also called: Acute myeloid leukemia, adult; AML adult; Acute non-lymphocytic leukemia; Acute granulocytic leukemia; Leukemia, acute myelogenous, somatic; Leukemia, acute myeloid, somatic. Identifiers: Orphanet 519, MedGen C0023467, MeSH D015470, MONDO:0018874, OMIM 601626, HP:0004808. Disease mechanism: Constitutively activated FLT3.

Allele frequency attached by ClinVar (database versions not stated): ExAC 0.00002; gnomAD exomes 0.00003 and 0.00008; gnomAD 0.00006; ESP Exome Variant Server 0.00008; TOPMed 0.00008.

Submissions (5):

Labcorp Genetics (formerly Invitae), Labcorp
Classification: Uncertain significance for Acute myeloid leukemia. Last evaluated: 2025-10-13. Review status: criteria provided, single submitter. Criteria: Invitae Variant Classification Sherloc (09022015). Collection method: clinical testing. Allele origin: germline.
Comment: This sequence change replaces isoleucine, which is neutral and non-polar, with valine, which is neutral and non-polar, at codon 341 of the CEBPA protein (p.Ile341Val). This variant is present in population databases (rs372931505, gnomAD 0.008%). This variant has not been reported in the literature in individuals affected with CEBPA-related conditions. ClinVar contains an entry for this variant (Variation ID: 239918). Invitae Evidence Modeling of protein sequence and biophysical properties (such as structural, functional, and spatial information, amino acid conservation, physicochemical variation, residue mobility, and thermodynamic stability) indicates that this missense variant is not expected to disrupt CEBPA protein function with a negative predictive value of 80%. In summary, the available evidence is currently insufficient to determine the role of this variant in disease. Therefore, it has been classified as a Variant of Uncertain Significance.

Ambry Genetics
Classification: Benign for Inborn genetic diseases. Last evaluated: 2024-08-20. Review status: criteria provided, single submitter. Criteria: Ambry Variant Classification Scheme 2023. Collection method: clinical testing. Allele origin: germline.

GeneDx
Classification: Uncertain significance. Last evaluated: 2024-04-30. Review status: criteria provided, single submitter. Criteria: GeneDx Variant Classification Process June 2021. Collection method: clinical testing. Allele origin: germline. Affected: yes.
Comment: In silico analysis supports that this missense variant does not alter protein structure/function; Observed in an individual with ovarian cancer (PMID: 24448499); This variant is associated with the following publications: (PMID: 29025912, 21455213, 24448499)

Institute for Clinical Genetics, University Hospital TU Dresden, University Hospital TU Dresden
Classification: Uncertain significance. Last evaluated: 2021-11-03. Review status: criteria provided, single submitter. Criteria: ACMG Guidelines, 2015. Collection method: clinical testing. Allele origin: germline.

Sema4
Classification: Uncertain significance for Hereditary cancer-predisposing syndrome. Last evaluated: 2021-08-25. Review status: criteria provided, single submitter. Criteria: Sema4 Curation Guidelines. Collection method: curation. Allele origin: germline.
Comment: The CEBPA c.1021A>G (p.I341V) variant has not been reported in the literature to our knowledge. It was observed in 3/23878 chromosomes of the African/African American subpopulation in the large and broad cohorts of the Genome Aggregation Database (PMID: 32461654). The variant has been reported in ClinVar (Variation ID: 239918). Functional studies have not been performed, and in silico predictions of the variant's effect on protein function are inconclusive. The evidence is insufficient to meet ACMG/AMP criteria for classifying the variant as benign or pathogenic. Thus, the clinical significance of this variant is currently uncertain.